The following is an entry in ClinVar:

NM_052947.4(ALPK2):c.6232G>A (p.Val2078Met)

Gene: ALPK2 (alpha kinase 2; minus strand). Cytogenetic location: 18q21.31.
Variant type: single nucleotide variant.
Coding change: c.6232G>A on transcript NM_052947.4 (MANE Select); coding-DNA position 6232, G replaced by A.
Protein change: p.Val2078Met; replaces valine 2078 with methionine.
Molecular consequence: missense variant.
Genome position (GRCh38, 1-based): chr18:58,503,946, C>T on the plus strand (G>A on the coding strand, the complement: ALPK2 is on the minus strand). VCF-style: chr18-58503946-C-T. GRCh37 (hg19) VCF-style: chr18-56171178-C-T.
Other names: short protein forms V2078M.
Identifiers: ClinVar variation 3531321 (VCV003531321.1).
Genomic context (GRCh38, chr18:58,503,946, plus strand): 5'-TGGCCCACAGCATCCCTGGAGCCTGGGCTAAGCTGCTTTCCTCACCTTGCATGTCCGTCA[C>T]CAGGAGGCAGCCACTTGTTTTCTGGTACACCCAGTGCTGGAAGGTGCAACATTTCTGACC-3'
Protein context (NP_443179.3, residues 2068-2088): VYQKTSGCLL[Val2078Met]TDMQGVGMKL

ClinVar aggregate classification (germline): Uncertain significance (1 of 4 stars; one submission).

Submission:

Ambry Genetics
Classification: Uncertain significance. Last evaluated: 2024-08-22. Review status: criteria provided, single submitter. Criteria: Ambry Variant Classification Scheme 2023. Collection method: clinical testing. Allele origin: germline.
Comment: The p.V2078M variant (also known as c.6232G>A), located in coding exon 10 of the ALPK2 gene, results from a G to A substitution at nucleotide position 6232. The valine at codon 2078 is replaced by methionine, an amino acid with highly similar properties. This amino acid position is conserved. In addition, this alteration is predicted to be tolerated by in silico analysis. Based on the available evidence, the clinical significance of this variant remains unclear.